The following is an entry in ClinVar:

ClinVar aggregate classification (germline): Uncertain significance (1 of 4 stars; one submission).

Submission:

Labcorp Genetics (formerly Invitae), Labcorp
Classification: Uncertain significance. Last evaluated: 2022-06-18. Review status: criteria provided, single submitter. Criteria: Invitae Variant Classification Sherloc (09022015). Collection method: clinical testing. Allele origin: germline.
Comment: This variant is not present in population databases (gnomAD no frequency). In summary, the available evidence is currently insufficient to determine the role of this variant in disease. Therefore, it has been classified as a Variant of Uncertain Significance. Advanced modeling of protein sequence and biophysical properties (such as structural, functional, and spatial information, amino acid conservation, physicochemical variation, residue mobility, and thermodynamic stability) performed at Invitae indicates that this missense variant is not expected to disrupt KCNH1 protein function. This variant has not been reported in the literature in individuals affected with KCNH1-related conditions. This sequence change replaces lysine, which is basic and polar, with arginine, which is basic and polar, at codon 875 of the KCNH1 protein (p.Lys875Arg).

NM_172362.3(KCNH1):c.2624A>G (p.Lys875Arg)

Gene: KCNH1 (potassium voltage-gated channel subfamily H member 1; minus strand). Cytogenetic location: 1q32.2.
Variant type: single nucleotide variant.
Coding change: c.2624A>G on transcript NM_172362.3 (MANE Select); coding-DNA position 2624, A replaced by G.
Protein change: p.Lys875Arg; replaces lysine 875 with arginine.
Molecular consequence: missense variant.
Genome position (GRCh38, 1-based): chr1:210,683,627, T>C on the plus strand (A>G on the coding strand, the complement: KCNH1 is on the minus strand). VCF-style: chr1-210683627-T-C. GRCh37 (hg19) VCF-style: chr1-210856969-T-C.
Other names: c.2543A>G, p.Lys848Arg (NM_002238.4); short protein forms K848R, K875R.
Identifiers: ClinVar variation 1966615 (VCV001966615.5), dbSNP rs2546369483, ClinGen allele CA344870782.